The following is an entry in ClinVar:

NM_001754.5(RUNX1):c.735dup (p.Thr246fs)

Gene: RUNX1 (RUNX family transcription factor 1; minus strand). Cytogenetic location: 21q22.12.
Variant type: Duplication.
Coding change: c.735dup on transcript NM_001754.5 (MANE Select); coding-DNA position 735, one base duplicated (C; older notation c.735dupC).
Protein change: p.Thr246fs; shifts the reading frame from threonine 246.
Molecular consequence: frameshift variant.
Genome position (GRCh38, 1-based): chr21:34,834,480, G duplicated on the plus strand (C on the coding strand, the reverse complement: RUNX1 is on the minus strand); the first of 5 consecutive G bases (chr21:34,834,480-34,834,484); duplicating any one gives the same sequence. VCF-style (leftmost placement, unchanged base first): chr21-34834479-T-TG. GRCh37 (hg19) VCF-style: chr21-36206776-T-TG.
Other names: NM_001754.5(RUNX1):c.735dup; p.Thr246fs; c.654dup, p.Thr219fs (NM_001001890.3, NM_001122607.2); c.735dupC (NM_001754.4); short protein forms T219fs, T246fs.
Identifiers: ClinVar variation 3948835 (VCV003948835.2).
Genomic context (GRCh38, chr21:34,834,479, plus strand): 5'-GACTCTGAGGCTGAGGGTTAAAGGCAGTGGAGTGGTTCAGGGAGGCACGAGGGTTGGGCG[T>TG]GGGGGCTGGGTGGTGTGGGCTGACCCTCATGGCTGTGCGCCGCAGCTGCTCCAGTTCACT-3'

ClinVar aggregate classification (germline): Pathogenic. Review status: reviewed by expert panel (3 of 4 stars). 2 submissions from 2 submitters: Pathogenic (1). 1 of the submissions does not count toward it. Last evaluated 2026-05-27.

Conditions:
Inborn genetic diseases. Identifiers: MedGen C0950123, MeSH D030342.
Hereditary thrombocytopenia and hematologic cancer predisposition syndrome. Identifiers: Orphanet 71290, MedGen CN281654, MONDO:0011071.

Submissions (2):

ClinGen Myeloid Malignancy Variant Curation Expert Panel
Classification: Pathogenic for Hereditary thrombocytopenia and hematologic cancer predisposition syndrome. Last evaluated: 2026-05-27. Review status: reviewed by expert panel. Criteria: ClinGen MyeloMalig ACMG Specifications V3.1. Collection method: curation. Allele origin: germline. Inheritance: Autosomal dominant inheritance.
Comment: NM_001754.5(RUNX1):c.735dup (p.Thr246HisfsTer15) is a duplication variant resulting in a frameshift allele that is predicted to undergo nonsense mediated decay in a gene in which loss-of-function is an established mechanism (nonsense c.98-c.916 as per VCEP specifications)(PVS1). This variant is completely absent from all population databases with at least 20x coverage for RUNX1 (PM2_supporting) and other null variants in exon 7 have been classified as likely pathogenic (PM5_supporting, PMID: 35764482). In summary, this variant meets criteria to be classified as pathogenic. ACMG/AMP criteria applied, as specified by the Myeloid Malignancy Variant Curation Expert Panel for RUNX1: PVS1, PM2_Supporting, and PM5_Supporting.

Ambry Genetics
Classification: Pathogenic for Inborn genetic diseases. Last evaluated: 2025-06-10. Review status: criteria provided, single submitter. Criteria: Ambry Variant Classification Scheme 2023. Collection method: clinical testing. Allele origin: germline. Not counted in ClinVar's aggregate classification.
Comment: The c.735dupC pathogenic mutation, located in coding exon 6 of the RUNX1 gene, results from a duplication of C at nucleotide position 735, causing a translational frameshift with a predicted alternate stop codon (p.T246Hfs*15). This alteration is expected to result in loss of function by premature protein truncation or nonsense-mediated mRNA decay. This variant is considered to be rare based on population cohorts in the Genome Aggregation Database (gnomAD). Based on the supporting evidence, this variant is interpreted as a disease-causing mutation.